The following is an entry in ClinVar:

ClinVar aggregate classification (germline): Uncertain significance (1 of 4 stars; one submission).

Conditions:
Alstrom syndrome (ALMS). Identifiers: Orphanet 64, MedGen C0268425, MONDO:0008763, OMIM 203800.

gnomAD v4.1: 1 of 1,614,204 alleles (0.000062%); highest among the groups gnomAD compares: Non-Finnish European, 0.000085%; no homozygotes.

Submission:

Labcorp Genetics (formerly Invitae), Labcorp
Classification: Uncertain significance for Alstrom syndrome. Last evaluated: 2025-01-08. Review status: criteria provided, single submitter. Criteria: Invitae Variant Classification Sherloc (09022015). Collection method: clinical testing. Allele origin: germline.
Comment: This sequence change replaces glycine, which is neutral and non-polar, with aspartic acid, which is acidic and polar, at codon 3983 of the ALMS1 protein (p.Gly3983Asp). This variant is present in population databases (no rsID available, gnomAD 0.0009%). This variant has not been reported in the literature in individuals affected with ALMS1-related conditions. Experimental studies and prediction algorithms are not available or were not evaluated, and the functional significance of this variant is currently unknown. In summary, the available evidence is currently insufficient to determine the role of this variant in disease. Therefore, it has been classified as a Variant of Uncertain Significance.

NM_001378454.1(ALMS1):c.11945G>A (p.Gly3982Asp)

Genes: ALMS1 (ALMS1 centrosome and basal body associated protein; plus strand), LOC126806252 (BRD4-independent group 4 enhancer GRCh37_chr2:73828496-73829695; plus strand). Cytogenetic location: 2p13.1.
Variant type: single nucleotide variant.
Coding change: c.11945G>A on transcript NM_001378454.1 (MANE Select); coding-DNA position 11945, G replaced by A.
Protein change: p.Gly3982Asp; replaces glycine 3982 with aspartic acid.
Molecular consequence: missense variant.
Genome position (GRCh38, 1-based): chr2:73,601,267, G>A. VCF-style: chr2-73601267-G-A. GRCh37 (hg19) VCF-style: chr2-73828394-G-A.
Other names: c.11948G>A, p.Gly3983Asp (NM_015120.4); short protein forms G3982D, G3983D.
Identifiers: ClinVar variation 3714967 (VCV003714967.1).